The following is an entry in ClinVar:

NM_004629.2(FANCG):c.1501C>T (p.Gln501Ter)

Gene: FANCG (FA complementation group G; minus strand). Cytogenetic location: 9p13.3.
Variant type: single nucleotide variant.
Coding change: c.1501C>T on transcript NM_004629.2 (MANE Select); coding-DNA position 1501, C replaced by T.
Protein change: p.Gln501Ter; replaces glutamine 501 with a stop codon.
Molecular consequence: nonsense.
Genome position (GRCh38, 1-based): chr9:35,075,062, G>A on the plus strand (C>T on the coding strand, the complement: FANCG is on the minus strand). VCF-style: chr9-35075062-G-A. GRCh37 (hg19) VCF-style: chr9-35075059-G-A.
Other names: short protein forms Q501*.
Identifiers: ClinVar variation 1224536 (VCV001224536.3), dbSNP rs2131053086, ClinGen allele CA373305039.

ClinVar aggregate classification (germline): Pathogenic. Review status: criteria provided, multiple submitters, no conflicts (2 of 4 stars). 2 submissions from 2 submitters: Pathogenic (2). Last evaluated 2025-09-02.

Conditions:
Fanconi anemia (FA). Also called: Fanconi's anemia. Identifiers: Orphanet 84, MedGen C0015625, MeSH D005199, MONDO:0019391.

Submissions (2):

Labcorp Genetics (formerly Invitae), Labcorp
Classification: Pathogenic for Fanconi anemia. Last evaluated: 2025-09-02. Review status: criteria provided, single submitter. Criteria: Invitae Variant Classification Sherloc (09022015). Collection method: clinical testing. Allele origin: germline.
Comment: This sequence change creates a premature translational stop signal (p.Gln501*) in the FANCG gene. It is expected to result in an absent or disrupted protein product. Loss-of-function variants in FANCG are known to be pathogenic (PMID: 12552564). This variant is not present in population databases (gnomAD no frequency). This premature translational stop signal has been observed in individual(s) with FANCG-related conditions (PMID: 34585473). ClinVar contains an entry for this variant (Variation ID: 1224536). Algorithms developed to predict the effect of sequence changes on RNA splicing suggest that this variant may disrupt the consensus splice site. For these reasons, this variant has been classified as Pathogenic.

Dept. of Cytogenetics, ICMR- National Institute of Immunohaematology
Classification: Pathogenic for Fanconi anemia. Review status: criteria provided, single submitter. Criteria: ACMG Guidelines, 2015. Collection method: clinical testing. Allele origin: germline. Affected: yes. Observed: 3 variant alleles.

Literature cited by the submitters: PubMed 12552564 (cited by Labcorp Genetics (formerly Invitae), Labcorp); PubMed 34585473 (cited by Labcorp Genetics (formerly Invitae), Labcorp).